The following is an entry in ClinVar:

NM_001395460.1(TENM2):c.226+43163_226+43164dup

Gene: TENM2 (teneurin transmembrane protein 2; plus strand). Cytogenetic location: 5q34.
Variant type: Duplication.
Coding change: c.226+43163_226+43164dup on transcript NM_001395460.1 (MANE Select); bases 43163 to 43164 of the intron after coding-DNA position 226, 2 bases duplicated (TT; older notation c.226+43163_226+43164dupTT).
Molecular consequence: intron variant.
Genome position (GRCh38, 1-based): chr5:167,328,226-167,328,227, TT duplicated; duplicating any 2 consecutive bases within chr5:167,328,205-167,328,227 gives the same sequence; the c. name uses the placement nearest the transcript's 3' end. VCF-style (leftmost placement, unchanged base first): chr5-167328204-G-GTT. GRCh37 (hg19) VCF-style: chr5-166755209-G-GTT.
Other names: c.226+43163_226+43164dup (NM_001122679.2).
Identifiers: ClinVar variation 4874102 (VCV004874102.2).

ClinVar aggregate classification (germline): Likely benign (1 of 4 stars; one submission).

Submission:

CeGaT Center for Human Genetics Tuebingen
Classification: Likely benign. Last evaluated: 2026-04-01. Review status: criteria provided, single submitter. Criteria: CeGaT Center For Human Genetics Tuebingen Variant Classification Criteria Version 2. Collection method: clinical testing. Allele origin: germline. Affected: yes. Observed: 1 variant allele.
Comment: TENM2: BS2